The following is an entry in ClinVar:

NM_015030.2(FRYL):c.4256del (p.Leu1419fs)

Gene: FRYL (FRY like transcription coactivator; minus strand). Cytogenetic location: 4p11.
Variant type: Deletion.
Coding change: c.4256del on transcript NM_015030.2 (MANE Select); coding-DNA position 4256, one base deleted (T; older notation c.4256delT).
Protein change: p.Leu1419fs; shifts the reading frame from leucine 1419.
Molecular consequence: frameshift variant.
Genome position (GRCh38, 1-based): chr4:48,556,988, A deleted on the plus strand (T on the coding strand, the reverse complement: FRYL is on the minus strand). VCF-style (leftmost placement, unchanged base first): chr4-48556987-GA-G. GRCh37 (hg19) VCF-style: chr4-48559004-GA-G.
Other names: short protein forms L1419fs.
Identifiers: ClinVar variation 4669861 (VCV004669861.2).

ClinVar aggregate classification (germline): Uncertain significance (1 of 4 stars; one submission).

Submission:

Ambry Genetics
Classification: Uncertain significance. Last evaluated: 2026-04-01. Review status: criteria provided, single submitter. Criteria: Ambry Variant Classification Scheme 2023. Collection method: clinical testing. Allele origin: germline.
Comment: The c.4256delT (p.L1419Pfs*5) alteration, located in exon 35 (coding exon 32) of the FRYL gene, consists of a deletion of one nucleotide at position 4256, causing a translational frameshift with a predicted alternate stop codon after 5 amino acids. This alteration is expected to result in loss of function by premature protein truncation or nonsense-mediated mRNA decay. However, loss of function of FRYL has not been established as a mechanism of disease. This variant was not reported in population-based cohorts in the Genome Aggregation Database (gnomAD). Based on insufficient or conflicting evidence, the clinical significance of this alteration remains unclear.